The following is an entry in ClinVar:

NM_012470.4(TNPO3):c.784A>G (p.Asn262Asp)

Gene: TNPO3 (transportin 3; minus strand). Cytogenetic location: 7q32.1.
Variant type: single nucleotide variant.
Coding change: c.784A>G on transcript NM_012470.4 (MANE Select); coding-DNA position 784, A replaced by G.
Protein change: p.Asn262Asp; replaces asparagine 262 with aspartic acid.
Molecular consequence: missense variant. On other transcripts: non-coding transcript variant (18).
Genome position (GRCh38, 1-based): chr7:129,001,147, T>C on the plus strand (A>G on the coding strand, the complement: TNPO3 is on the minus strand). VCF-style: chr7-129001147-T-C. GRCh37 (hg19) VCF-style: chr7-128641201-T-C.
Other names: c.784A>G, p.Asn262Asp (NM_001191028.3, NM_001382216.1, NM_001382218.1 and 4 more transcripts); c.865A>G, p.Asn289Asp (NM_001382217.1); c.640A>G, p.Asn214Asp (NM_001382221.1); short protein forms N289D, N214D, N262D.
Identifiers: ClinVar variation 3689883 (VCV003689883.2).
Genomic context (GRCh38, chr7:129,001,147, plus strand): 5'-TATGATAGGCAGTCTCCAATGTCAGCACTCCCTGAAAAAGTTGCATGGCTAATGGCAAGT[T>C]AGTCTCCACATTCTCAATGGCATAGAGAGCTGAGCATACACAGTCCGAAGCAGCTTCATG-3'
Protein context (NP_036602.1, residues 252-272): ALYAIENVET[Asn262Asp]LPLAMQLFQG

ClinVar aggregate classification (germline): Uncertain significance (1 of 4 stars; one submission).

Conditions:
Autosomal dominant limb-girdle muscular dystrophy type 1F (LGMDD2). Also called: MUSCULAR DYSTROPHY, LIMB-GIRDLE, AUTOSOMAL DOMINANT 2; Limb-girdle muscular dystrophy, type 1F. Identifiers: Orphanet 55595, MedGen C1842062, MONDO:0012034, OMIM 608423.

Submission:

Labcorp Genetics (formerly Invitae), Labcorp
Classification: Uncertain significance for Autosomal dominant limb-girdle muscular dystrophy type 1F. Last evaluated: 2025-01-29. Review status: criteria provided, single submitter. Criteria: Invitae Variant Classification Sherloc (09022015). Collection method: clinical testing. Allele origin: germline.
Comment: This sequence change replaces asparagine, which is neutral and polar, with aspartic acid, which is acidic and polar, at codon 262 of the TNPO3 protein (p.Asn262Asp). This variant is not present in population databases (gnomAD no frequency). This variant has not been reported in the literature in individuals affected with TNPO3-related conditions. Invitae Evidence Modeling of protein sequence and biophysical properties (such as structural, functional, and spatial information, amino acid conservation, physicochemical variation, residue mobility, and thermodynamic stability) indicates that this missense variant is not expected to disrupt TNPO3 protein function with a negative predictive value of 80%. In summary, the available evidence is currently insufficient to determine the role of this variant in disease. Therefore, it has been classified as a Variant of Uncertain Significance.